The following is an entry in ClinVar:

ClinVar aggregate classification (germline): Likely pathogenic (1 of 4 stars; one submission).

Conditions:
Familial adenomatous polyposis 1 (FAP1). Also called: FAMILIAL ADENOMATOUS POLYPOSIS 1, ATTENUATED; POLYPOSIS, ADENOMATOUS INTESTINAL. Identifiers: MedGen C2713442, MONDO:0021056, OMIM 175100. Disease mechanism: loss of function.

Submission:

Labcorp Genetics (formerly Invitae), Labcorp
Classification: Likely pathogenic for Familial adenomatous polyposis 1. Last evaluated: 2021-12-08. Review status: criteria provided, single submitter. Criteria: Invitae Variant Classification Sherloc (09022015). Collection method: clinical testing. Allele origin: germline.
Comment: This variant results in a copy number gain of the genomic region encompassing exon(s) 1-2 of the APC gene. This region includes the initiator codon of the gene. This copy number gain extends beyond the assayed region for this gene and therefore may encompass additional genes. As the precise location of this event is unknown, it may be in tandem or it may be located elsewhere in the genome. This particular gain has not been reported in the literature in individuals with APC-related disease. However, similar copy number gains involving promoter 1A, and exons 2-5 and 2-8 have been observed in individuals with clinical features consistent with familial adenomatous polyposis (FAP) or attenuated FAP (Invitae). There are several predicted outcomes of this duplication on APC protein function. While APC expression may occur in the duplicated region containing promoter 1A, it is more likely to be expressed from the original region also containing promoter 1B, which has been shown to drive higher levels of APC expression (PMID: 21643010). Therefore, the duplicated copy likely results in an absent or disrupted protein product. Experimental studies have not been tested for this variant. In summary, the currently available evidence indicates that the variant is pathogenic, but additional data are needed to prove that conclusively. Therefore, this variant has been classified as Likely Pathogenic.

Literature cited by the submitters: PubMed 21643010.

NC_000005.9:g.(?_112072721)_(112090728_?)dup

Gene: APC (APC regulator of Wnt signaling pathway; plus strand). Cytogenetic location: 5q22.2.
Variant type: Duplication.
Identifiers: ClinVar variation 584349 (VCV000584349.3).